The following continues an entry in ClinVar:

NM_007294.4(BRCA1):c.5194-2A>G

Gene: BRCA1. ClinVar aggregate classification (germline): Pathogenic/Likely pathogenic. Pathogenic (10); Likely pathogenic (1).

Submissions 9 to 17 of 17:

Women's Health and Genetics/Laboratory Corporation of America, LabCorp
Classification: Pathogenic for Hereditary breast and ovarian cancer syndrome. Last evaluated: 2019-10-29. Review status: criteria provided, single submitter. Criteria: LabCorp Variant Classification Summary - May 2015. Collection method: clinical testing. Allele origin: germline.
Comment: Variant summary: BRCA1 c.5194-2A>G is located in a canonical splice-site and is predicted to affect mRNA splicing resulting in a significantly altered protein due to either exon skipping, shortening, or inclusion of intronic material. 5/5 computational tools predict that the variant abolishes a 3' acceptor site. However, these predictions have yet to be confirmed by functional studies. The variant allele was found at a frequency of 4e-06 in 251484 control chromosomes (gnomAD). c.5194-2A>G has been reported in the literature in multiple individuals affected with Hereditary Breast and Ovarian Cancer (e.g. Esteban-Cardenosa_2004, Shirts_2015, Rebbeck_2018). These data indicate that the variant is very likely to be associated with disease. To our knowledge, no experimental evidence demonstrating an impact on protein function has been reported. Five other clinical diagnostic laboratories have submitted clinical-significance assessments for this variant to ClinVar (evaluation after 2014) and cited the variant as pathogenic/likely pathogenic. Based on the evidence outlined above, the variant was classified as pathogenic.

University of Washington Department of Laboratory Medicine, University of Washington
Classification: Pathogenic for Breast-ovarian cancer, familial, susceptibility to, 1. Last evaluated: 2015-11-20. Review status: criteria provided, single submitter. Criteria: Shirts et al. (Genet Med 2016). Collection method: clinical testing. Allele origin: germline. Affected: yes. Observed: 1 variant allele.

Consortium of Investigators of Modifiers of BRCA1/2 (CIMBA), c/o University of Cambridge
Classification: Pathogenic for Breast-ovarian cancer, familial, susceptibility to, 1. Last evaluated: 2015-10-02. Review status: criteria provided, single submitter. Criteria: CIMBA Mutation Classification guidelines May 2016. Collection method: clinical testing. Allele origin: germline.

Research Molecular Genetics Laboratory, Women's College Hospital, University of Toronto
Classification: Pathogenic for Hereditary breast ovarian cancer syndrome. Last evaluated: 2014-01-31. Review status: no assertion criteria provided. Collection method: research. Allele origin: germline. Affected: yes. Study: The Canadian Open Genetics Repository (COGR). Not counted in ClinVar's aggregate classification.

Sharing Clinical Reports Project (SCRP)
Classification: Pathogenic for Breast-ovarian cancer, familial 1. Last evaluated: 2011-04-11. Review status: no assertion criteria provided. Collection method: clinical testing. Allele origin: germline. Not counted in ClinVar's aggregate classification.

Breast Cancer Information Core (BIC) (BRCA1)
Classification: Pathogenic for Breast-ovarian cancer, familial 1. Last evaluated: 1999-06-21. Review status: no assertion criteria provided. Collection method: clinical testing. Allele origin: germline. Affected: yes. Observed: 3 variant alleles. Not counted in ClinVar's aggregate classification.

Brotman Baty Institute, University of Washington
No classification provided (evidence only). Condition: Breast-ovarian cancer, familial 1. Review status: no classification provided. Collection method: in vitro. Allele origin: not applicable. Functional consequence: functionally_abnormal. Not counted in ClinVar's aggregate classification.
ClinVar note: "not provided" was previously submitted as the classification for the variant. However, the classification appeared to be based only on an observation of functional data so it was converted to no classification on 2025-07-30.

Center for Precision Medicine, Meizhou People's Hospital
Classification: Likely pathogenic for Familial cancer of breast. Review status: no assertion criteria provided. Collection method: literature only. Allele origin: germline. Affected: yes. Not counted in ClinVar's aggregate classification.

Department of Pathology and Laboratory Medicine, Sinai Health System
Classification: Pathogenic for Malignant tumor of breast. Review status: no assertion criteria provided. Collection method: clinical testing. Allele origin: unknown. Affected: yes. Study: The Canadian Open Genetics Repository (COGR). Not counted in ClinVar's aggregate classification.
Comment: The c.5194-2A>G variant has been previously reported as disease-causing in the BIC and UMD databases and in the literature (Esteban-CardeâˆšÂ±osa 2003), however, no normal population controls were included in this study. This variant is predicted to cause abnormal splicing because the nucleotide substitution occurs in the invariant -1 and -2 positions of the splice consensus sequence located in the 3' splice region of BRCA1. It is listed in the dbSNP database (ID#: rs80358069) but no frequency information was provided, and so the prevalence of this variant in the general population is not known. In summary, based on the above information this variant is classified as pathogenic.

Literature cited by the submitters: PubMed 10923033 (cited by Labcorp Genetics (formerly Invitae), Labcorp); PubMed 14684619 (cited by 6 submitters); PubMed 21520333 (cited by Labcorp Genetics (formerly Invitae), Labcorp); PubMed 26845104 (cited by 6 submitters); PubMed 22333603 (cited by Color Diagnostics, LLC DBA Color Health); PubMed 30209399 (cited by 5 submitters); PubMed 30968603 (cited by 3 submitters); PubMed 31228304 (cited by Color Diagnostics, LLC DBA Color Health); PubMed 32341426 (cited by 3 submitters); PubMed 34749799 (cited by Color Diagnostics, LLC DBA Color Health and Center for Precision Medicine, Meizhou People's Hospital); PubMed 35918668 (cited by 3 submitters); PubMed 29446198 (cited by 4 submitters); PubMed 31771539 (cited by All of Us Research Program, National Institutes of Health); PubMed 32566972 (cited by All of Us Research Program, National Institutes of Health); PubMed 25085752 (cited by Quest Diagnostics Nichols Institute San Juan Capistrano and Center for Precision Medicine, Meizhou People's Hospital); PubMed 29673794 (cited by Quest Diagnostics Nichols Institute San Juan Capistrano and Center for Precision Medicine, Meizhou People's Hospital); PubMed 11334729 (cited by Ambry Genetics); PubMed 15937982 (cited by Women's Health and Genetics/Laboratory Corporation of America, LabCorp); PubMed 28152038 (cited by Center for Precision Medicine, Meizhou People's Hospital); PubMed 32124385 (cited by Center for Precision Medicine, Meizhou People's Hospital); PubMed 21523855 (cited by Center for Precision Medicine, Meizhou People's Hospital); PubMed 25525159 (cited by Center for Precision Medicine, Meizhou People's Hospital); PubMed 28111427 (cited by Center for Precision Medicine, Meizhou People's Hospital); PubMed 31589614 (cited by Center for Precision Medicine, Meizhou People's Hospital); PubMed 33720054 (cited by Center for Precision Medicine, Meizhou People's Hospital).